The following is an entry in ClinVar:

NM_001122769.3(LCA5):c.605C>T (p.Ser202Phe)

Gene: LCA5 (lebercilin LCA5; minus strand). Cytogenetic location: 6q14.1.
Variant type: single nucleotide variant.
Coding change: c.605C>T on transcript NM_001122769.3 (MANE Select); coding-DNA position 605, C replaced by T.
Protein change: p.Ser202Phe; replaces serine 202 with phenylalanine.
Molecular consequence: missense variant.
Genome position (GRCh38, 1-based): chr6:79,513,327, G>A on the plus strand (C>T on the coding strand, the complement: LCA5 is on the minus strand). VCF-style: chr6-79513327-G-A. GRCh37 (hg19) VCF-style: chr6-80223044-G-A.
Other names: c.605C>T, p.Ser202Phe (NM_181714.4); short protein forms S202F.
Identifiers: ClinVar variation 1948725 (VCV001948725.2), dbSNP rs1582640138, ClinGen allele CA364628512.

ClinVar aggregate classification (germline): Uncertain significance (1 of 4 stars; one submission).

Submission:

Labcorp Genetics (formerly Invitae), Labcorp
Classification: Uncertain significance. Last evaluated: 2022-04-16. Review status: criteria provided, single submitter. Criteria: Invitae Variant Classification Sherloc (09022015). Collection method: clinical testing. Allele origin: germline.
Comment: This sequence change replaces serine, which is neutral and polar, with phenylalanine, which is neutral and non-polar, at codon 202 of the LCA5 protein (p.Ser202Phe). This variant is not present in population databases (gnomAD no frequency). This variant has not been reported in the literature in individuals affected with LCA5-related conditions. Algorithms developed to predict the effect of missense changes on protein structure and function are either unavailable or do not agree on the potential impact of this missense change (SIFT: "Deleterious"; PolyPhen-2: "Benign"; Align-GVGD: "Class C0"). In summary, the available evidence is currently insufficient to determine the role of this variant in disease. Therefore, it has been classified as a Variant of Uncertain Significance.